The following is an entry in ClinVar:

ClinVar aggregate classification (germline): Uncertain significance. Review status: criteria provided, multiple submitters, no conflicts (2 of 4 stars). 2 submissions from 2 submitters: Uncertain significance (2). Last evaluated 2023-12-20.

Conditions:
Intellectual developmental disorder, autosomal dominant 42. Also called: Global developmental delay-neuro-ophthalmological abnormalities-seizures-intellectual disability syndrome; GNB1 Encephalopathy; Intellectual disability, autosomal dominant 42. Identifiers: Orphanet 488613, MedGen C4310774, MONDO:0014855, OMIM 616973.

Submissions (2):

GeneDx
Classification: Uncertain significance. Last evaluated: 2023-12-20. Review status: criteria provided, single submitter. Criteria: GeneDx Variant Classification Process June 2021. Collection method: clinical testing. Allele origin: germline. Affected: yes.
Comment: Not observed at significant frequency in large population cohorts (gnomAD); In silico analysis supports that this missense variant has a deleterious effect on protein structure/function; Has not been previously published as pathogenic or benign to our knowledge

Baylor Genetics
Classification: Uncertain significance for Intellectual developmental disorder, autosomal dominant 42. Last evaluated: 2020-06-08. Review status: criteria provided, single submitter. Criteria: ACMG Guidelines, 2015. Collection method: clinical testing. Allele origin: unknown. Affected: yes.
Comment: This variant was determined to be of uncertain significance according to ACMG Guidelines, 2015 [PMID:25741868].

NM_002074.5(GNB1):c.178G>A (p.Ala60Thr)

Gene: GNB1 (G protein subunit beta 1; minus strand). Cytogenetic location: 1p36.33.
Variant type: single nucleotide variant.
Coding change: c.178G>A on transcript NM_002074.5 (MANE Select); coding-DNA position 178, G replaced by A.
Protein change: p.Ala60Thr; replaces alanine 60 with threonine.
Molecular consequence: missense variant. On other transcripts: intron variant (1).
Genome position (GRCh38, 1-based): chr1:1,815,781, C>T on the plus strand (G>A on the coding strand, the complement: GNB1 is on the minus strand). VCF-style: chr1-1815781-C-T. GRCh37 (hg19) VCF-style: chr1-1747220-C-T.
Other names: c.178G>A (NM_002074.4); c.178G>A, p.Ala60Thr (NM_001282539.2); c.-97-9243G>A (NM_001282538.2); short protein forms A60T.
Identifiers: ClinVar variation 1029408 (VCV001029408.3), dbSNP rs1646845570, ClinGen allele CA337919490.